The following continues an entry in ClinVar:

NM_000059.4(BRCA2):c.5303_5304del (p.Leu1768fs)

Gene: BRCA2. ClinVar aggregate classification (germline): Pathogenic. Pathogenic (1).

Submissions 10 to 23 of 29:

ARUP Laboratories, Molecular Genetics and Genomics, ARUP Laboratories
Classification: Pathogenic. Last evaluated: 2024-05-31. Review status: criteria provided, single submitter. Criteria: ARUP Molecular Germline Variant Investigation Process 2024. Collection method: clinical testing. Allele origin: germline. Not counted in ClinVar's aggregate classification.
Comment: The BRCA2 c.5303_5304delTT; p.Leu1768fs variant (rs80359505), also known as 5531delTT, is reported in the literature in individuals and families affected with breast, ovarian, or prostate cancer (Castro 2013, Gayther 2000, Gutierrez Espeleta 2012, Kraus 2017, Tea 2014). In at least one family, this variant was observed in multiple individuals affected with breast cancer (Gutierrez Espeleta 2012). This variant is found on only one chromosome in the Genome Aggregation Database (1/250376 alleles), indicating it is not a common polymorphism, and it is reported as pathogenic by multiple laboratories in ClinVar (Variation ID: 37957). This variant causes a frameshift by deleting two nucleotides, so it is predicted to result in a truncated protein or mRNA subject to nonsense-mediated decay. Based on available information, this variant is considered to be pathogenic. References: Castro E et al. Germline BRCA mutations are associated with higher risk of nodal involvement, distant metastasis, and poor survival outcomes in prostate cancer. J Clin Oncol. 2013 May 10;31(14):1748-57. PMID: 23569316. Gayther SA et al. The frequency of germ-line mutations in the breast cancer predisposition genes BRCA1 and BRCA2 in familial prostate cancer. The Cancer Research Campaign/British Prostate Group United Kingdom Familial Prostate Cancer Study Collaborators. Cancer Res. 2000 Aug 15;60(16):4513-8. PMID: 10969800. Gutierrez Espeleta GA et al. BRCA1 and BRCA2 mutations among familial breast cancer patients from Costa Rica. Clin Genet. 2012 Nov;82(5):484-8. PMID: 21895635. Kraus C et al. Gene panel sequencing in familial breast/ovarian cancer patients identifies multiple novel mutations also in genes others than BRCA1/2. Int J Cancer. 2017 Jan 1;140(1):95-102. PMID: 27616075. Tea MK et al. Central European BRCA2 mutation carriers: birth cohort status correlates with onset of breast cancer. Maturitas. 2014 Jan;77(1):68-72. PMID: 24156927.

Genomics and Molecular Medicine Service, East Genomic Laboratory Hub, NHS Genomic Medicine Service
Classification: Pathogenic for Inherited ovarian cancer (without breast cancer). Last evaluated: 2024-04-17. Review status: criteria provided, single submitter. Criteria: ACGS Best Practice Guidelines for Variant Classification in Rare Disease 2020. Collection method: clinical testing. Allele origin: germline. Affected: yes. Not counted in ClinVar's aggregate classification.
Comment: PVS1,PS4_Very Strong,PM2

Baylor Genetics
Classification: Pathogenic for Familial cancer of breast. Last evaluated: 2024-01-14. Review status: criteria provided, single submitter. Criteria: ACMG Guidelines, 2015. Collection method: clinical testing. Allele origin: unknown. Not counted in ClinVar's aggregate classification.

GeneDx
Classification: Pathogenic. Last evaluated: 2023-06-22. Review status: criteria provided, single submitter. Criteria: GeneDx Variant Classification Process June 2021. Collection method: clinical testing. Allele origin: germline. Affected: yes. Not counted in ClinVar's aggregate classification.
Comment: Frameshift variant predicted to result in protein truncation or nonsense mediated decay in a gene for which loss-of-function is a known mechanism of disease; Observed in individuals with a personal and/or family history of BRCA2-related cancers (Gayther 2000, Gutierrez Espeleta 2012, Song 2014, Shindo 2017, Hoyer 2018); Not observed at significant frequency in large population cohorts (gnomAD); Truncating variants in this gene are considered pathogenic by a well-established clinical consortium and/or database; Also known as 5531_5532del; 5331delTT; This variant is associated with the following publications: (PMID: 21895635, 24728189, 24764757, 34657373, 29922827, 28888541, 29625052, 10969800, 20002770, 24156927, 20043088, 28127413, 23569316, 21952622, 21702907, 22711857, 22762150, 27225637, 23747895, 28767289, 29446198, 30257646, 30720243, 34399810, 32885271, 30787465, 33087929, 33758026, 35264596, 27616075, 36169650, 20104584, 24312913)

Revvity Omics, Revvity
Classification: Pathogenic. Last evaluated: 2023-04-17. Review status: criteria provided, single submitter. Criteria: ACMG Guidelines, 2015. Collection method: clinical testing. Allele origin: germline. Not counted in ClinVar's aggregate classification.

Quest Diagnostics Nichols Institute San Juan Capistrano
Classification: Pathogenic. Last evaluated: 2022-12-07. Review status: criteria provided, single submitter. Criteria: Quest Diagnostics criteria. Collection method: clinical testing. Allele origin: unknown. Not counted in ClinVar's aggregate classification.
Comment: This frameshift variant alters the translational reading frame of the BRCA2 mRNA and causes the premature termination of BRCA2 protein synthesis. The frequency of this variant in the general population, 0.000004 (1/250376 chromosomes), is consistent with pathogenicity. In the published literature, the variant has been reported in individuals with breast and/or ovarian cancer (PMIDs: 21895635 (2012), 22762150 (2012), 28888541 (2017), 30257646 (2018), 32885271 (2021), 33471991 (2021), 34657373 (2022), and 33758026 (2022)), prostate cancer (PMID: 10969800 (2000)), and pancreatic cancer (PMID: 28767289 (2017), 29625052 (2018), and 34399810 (2021)). Based on the available information, this variant is classified as pathogenic.

Institute for Clinical Genetics, University Hospital TU Dresden, University Hospital TU Dresden
Classification: Pathogenic. Last evaluated: 2021-11-03. Review status: criteria provided, single submitter. Criteria: ACMG Guidelines, 2015. Collection method: clinical testing. Allele origin: germline. Not counted in ClinVar's aggregate classification.

Genetics and Molecular Pathology, SA Pathology
Classification: Pathogenic for Breast-ovarian cancer, familial, susceptibility to, 2. Last evaluated: 2020-12-13. Review status: criteria provided, single submitter. Criteria: ACMG Guidelines, 2015. Collection method: clinical testing. Allele origin: germline. Inheritance: Autosomal dominant inheritance. Affected: yes. Not counted in ClinVar's aggregate classification.
Comment: The BRCA2 c.5303_5304delTT variant is classified as Pathogenic (PVS1, PM2_Supporting) This BRCA2 c.5303_5304delTT variant is predicted to cause a shift in the reading frame at codon 1768. The variant is rare in population databases (PM2). The variant has been reported in dbSNP (rs80359505) and has been reported as Pathogenic by other diagnostic laboratories (ClinVar Variation ID: 37957). It has not been reported in HGMD. literature: This variant has been reported in the scientific literature in individuals with ovarian, pancreatic and prostate cancer as well as families with prostate and breast cancer (Shindo et al., 2017, PMID:28767289, Gutiérrez Espeleta et al., 2012, PMID:21895635, Gayther et al., 2000, PMID:10969800, Fisher et al., 2008, PMID:18182994, Lecarpentier et al., 2012, PMID:22762150, Castro et al., 2013, PMID:23569316, Ashton-Prolla et al., 2014, PMID:24764757, Tea et al., 2014, PMID:24156927, Rebeck et al., 2018, PMID:29446198).

Institute of Human Genetics, University of Leipzig Medical Center
Classification: Pathogenic for Intellectual disability. Last evaluated: 2020-08-03. Review status: criteria provided, single submitter. Criteria: ACMG Guidelines, 2015. Collection method: clinical testing. Allele origin: unknown. Affected: yes. Not counted in ClinVar's aggregate classification.
Comment: Inheritance for this variant was unknown.

Laboratory for Molecular Medicine, Mass General Brigham Personalized Medicine
Classification: Pathogenic for Hereditary breast ovarian cancer syndrome. Last evaluated: 2019-10-14. Review status: criteria provided, single submitter. Criteria: ACMG Guidelines, 2015. Collection method: clinical testing. Allele origin: germline. Not counted in ClinVar's aggregate classification.
Comment: The p.Leu1768ArgfsX5 variant in BRCA2 has been reported in at least 15 individuals with BRCA2-related cancers and segregated with disease in at least 1 individual from one family (Gayther 2000, Gutiérrez Espeleta 2012, Shindo 2017, Tea 2014, Alsop 2012, Lecarpentier 2012, Castro 2013, Kraus 2017, Mitra 2008, BIC database). It has also been identified in 1/113142 European chromosomes by gnomAD; however, this frequency is low enough to be consistent with the frequency of hereditary breast and ovarian cancer (HBOC) in the general population. This variant is predicted to cause a frameshift, which alters the protein’s amino acid sequence beginning at position 1768 and leads to a premature termination codon 5 amino acids downstream. This alteration is then predicted to lead to a truncated or absent protein. Loss of function of the BRCA2 gene is an established disease mechanism in autosomal dominant hereditary breast and ovarian cancer syndrome (HBOC). Additionally, this variant was classified as Pathogenic on Sept 8 2016 by the ClinGen-approved ENIGMA expert panel (Variation ID: 37957). In summary, this variant meets criteria to be classified as pathogenic for autosomal dominant HBOC. ACMG/AMP Criteria applied: PVS1, PM2, PS4.

Institute of Human Genetics, University of Leipzig Medical Center
Classification: Pathogenic for Familial cancer of breast. Last evaluated: 2019-01-01. Review status: criteria provided, single submitter. Criteria: ACMG Guidelines, 2015. Collection method: clinical testing. Allele origin: unknown. Affected: yes. Not counted in ClinVar's aggregate classification.

Mendelics
Classification: Pathogenic for Hereditary breast and ovarian cancer syndrome. Last evaluated: 2018-07-02. Review status: criteria provided, single submitter. Criteria: Mendelics Assertion Criteria 2017. Collection method: clinical testing. Allele origin: unknown. Not counted in ClinVar's aggregate classification.

Consortium of Investigators of Modifiers of BRCA1/2 (CIMBA), c/o University of Cambridge
Classification: Pathogenic for Breast-ovarian cancer, familial, susceptibility to, 2. Last evaluated: 2015-10-02. Review status: criteria provided, single submitter. Criteria: CIMBA Mutation Classification guidelines May 2016. Collection method: clinical testing. Allele origin: germline. Not counted in ClinVar's aggregate classification.

University Health Network, Familial Cancer Clinic, Princess Margaret Cancer Centre
Classification: Pathogenic for BRCA2-related cancer predisposition. Review status: criteria provided, single submitter. Criteria: ACMG Guidelines, 2015. Collection method: clinical testing. Allele origin: germline. Inheritance: Autosomal dominant inheritance. Affected: yes. Observed: 1 variant allele. Not counted in ClinVar's aggregate classification.